The following is an entry in ClinVar:

ClinVar aggregate classification (germline): Pathogenic/Likely pathogenic. Review status: criteria provided, multiple submitters, no conflicts (2 of 4 stars). 4 submissions from 4 submitters: Pathogenic (2); Likely pathogenic (2). Last evaluated 2025-07-14.

Conditions:
Pituitary adenoma 5, multiple types. Identifiers: MedGen C4539685, MONDO:0054601, OMIM 617540.
Usher syndrome type 1 (USH1). Also called: RETINITIS PIGMENTOSA AND CONGENITAL DEAFNESS. Identifiers: Orphanet 231169, Orphanet 886, MedGen C1568247, MONDO:0010168, OMIM 276900.
Rare genetic deafness. Identifiers: Orphanet 96210, MedGen C5680250.

Submissions (4):

Labcorp Genetics (formerly Invitae), Labcorp
Classification: Pathogenic. Last evaluated: 2025-07-14. Review status: criteria provided, single submitter. Criteria: Invitae Variant Classification Sherloc (09022015). Collection method: clinical testing. Allele origin: germline.
Comment: This sequence change creates a premature translational stop signal (p.Pro3059Argfs*28) in the CDH23 gene. It is expected to result in an absent or disrupted protein product. Loss-of-function variants in CDH23 are known to be pathogenic (PMID: 11138009, 21940737). This variant is not present in population databases (gnomAD no frequency). This variant has not been reported in the literature in individuals affected with CDH23-related conditions. ClinVar contains an entry for this variant (Variation ID: 517317). For these reasons, this variant has been classified as Pathogenic.

Natera, Inc.
Classification: Likely pathogenic for Usher syndrome type 1. Last evaluated: 2025-05-26. Review status: criteria provided, single submitter. Criteria: Natera Variant Classification Schema (03/2026). Collection method: clinical testing. Allele origin: germline.
Comment: The c.9176delC variant in CDH23 is a frameshift variant predicted to shift the reading frame beginning at codon 3059 and leads to a stop codon 28 codons downstream. This variant is expected to result in nonsense mediated decay, truncation, or a dysfunctional protein product. This variant is rare in the general population with a frequency below the threshold expected for the associated phenotype(s). Given the available evidence, this variant is classified as Likely Pathogenic.

Baylor Genetics
Classification: Likely pathogenic for Pituitary adenoma 5, multiple types. Last evaluated: 2023-12-13. Review status: criteria provided, single submitter. Criteria: ACMG Guidelines, 2015. Collection method: clinical testing. Allele origin: unknown.

Laboratory for Molecular Medicine, Mass General Brigham Personalized Medicine
Classification: Pathogenic for Rare genetic deafness. Last evaluated: 2017-04-25. Review status: criteria provided, single submitter. Criteria: LMM Criteria. Collection method: clinical testing. Allele origin: germline. Inheritance: Autosomal recessive inheritance. Observed: 1 variant allele.
Comment: The p.Pro3059fs variant in CDH23 has not been previously reported in individuals with hearing loss or Usher syndrome and was absent from in large population stu dies. This variant is predicted to cause a frameshift, which alters the protein? s amino acid sequence beginning at position 3059 and leads to a premature termin ation codon 28 amino acids downstream. This alteration is then predicted to lead to a truncated or absent protein. Heterozygous loss of function of the CDH23 ge ne is an established disease mechanism in individuals with Usher syndrome. In su mmary, this variant meets criteria to be classified as pathogenic for hearing lo ss in an autosomal recessive manner.

Literature cited by the submitters: PubMed 11138009 (cited by Labcorp Genetics (formerly Invitae), Labcorp); PubMed 21940737 (cited by Labcorp Genetics (formerly Invitae), Labcorp).

NM_022124.6(CDH23):c.9176del (p.Pro3059fs)

Gene: CDH23 (cadherin related 23; plus strand). Cytogenetic location: 10q22.1.
Variant type: Deletion.
Coding change: c.9176del on transcript NM_022124.6 (MANE Select); coding-DNA position 9176, one base deleted (C; older notation c.9176delC).
Protein change: p.Pro3059fs; shifts the reading frame from proline 3059.
Molecular consequence: frameshift variant.
Genome position (GRCh38, 1-based): chr10:71,811,413, C deleted; the last of 2 consecutive C bases (chr10:71,811,412-71,811,413); deleting either gives the same sequence. VCF-style (leftmost placement, unchanged base first): chr10-71811411-GC-G. GRCh37 (hg19) VCF-style: chr10-73571168-GC-G.
Other names: c.2456del, p.Pro819fs (NM_001171933.1, NM_001171934.1); short protein forms P3059fs, P819fs.
Identifiers: ClinVar variation 517317 (VCV000517317.13), dbSNP rs1554877806, ClinGen allele CA658797438.